The following is an entry in ClinVar:

NM_006031.6(PCNT):c.6344G>C (p.Cys2115Ser)

Gene: PCNT (pericentrin; plus strand). Cytogenetic location: 21q22.3.
Variant type: single nucleotide variant.
Coding change: c.6344G>C on transcript NM_006031.6 (MANE Select); coding-DNA position 6344, G replaced by C.
Protein change: p.Cys2115Ser; replaces cysteine 2115 with serine.
Molecular consequence: missense variant.
Genome position (GRCh38, 1-based): chr21:46,416,262, G>C. VCF-style: chr21-46416262-G-C. GRCh37 (hg19) VCF-style: chr21-47836176-G-C.
Other names: c.5990G>C, p.Cys1997Ser (NM_001315529.2); c.6344G>C (NM_006031.5); short protein forms C1997S, C2115S.
Identifiers: ClinVar variation 1971340 (VCV001971340.3), dbSNP rs761872132, ClinGen allele CA321999976.

ClinVar aggregate classification (germline): Uncertain significance. Review status: criteria provided, multiple submitters, no conflicts (2 of 4 stars). 2 submissions from 2 submitters: Uncertain significance (2). Last evaluated 2023-01-09.

Conditions:
PCNT-related disorder. Also called: PCNT-related condition.

gnomAD v4.1: 1 of 1,614,196 alleles (0.000062%); no homozygotes.

Submissions (2):

PreventionGenetics, part of Exact Sciences
Classification: Uncertain significance for PCNT-related condition. Last evaluated: 2023-01-09. Review status: criteria provided, single submitter. Criteria: ACMG Guidelines, 2015. Collection method: clinical testing. Allele origin: germline.
Comment: The PCNT c.6344G>C variant is predicted to result in the amino acid substitution p.Cys2115Ser. To our knowledge, this variant has not been reported in the literature or in a large population database, indicating this variant is rare. At this time, the clinical significance of this variant is uncertain due to the absence of conclusive functional and genetic evidence.

Labcorp Genetics (formerly Invitae), Labcorp
Classification: Uncertain significance. Last evaluated: 2022-08-22. Review status: criteria provided, single submitter. Criteria: Invitae Variant Classification Sherloc (09022015). Collection method: clinical testing. Allele origin: germline.
Comment: This sequence change replaces cysteine, which is neutral and slightly polar, with serine, which is neutral and polar, at codon 2115 of the PCNT protein (p.Cys2115Ser). This variant is not present in population databases (gnomAD no frequency). This variant has not been reported in the literature in individuals affected with PCNT-related conditions. Algorithms developed to predict the effect of missense changes on protein structure and function output the following: SIFT: "Tolerated"; PolyPhen-2: "Benign"; Align-GVGD: "Class C0". The serine amino acid residue is found in multiple mammalian species, which suggests that this missense change does not adversely affect protein function. In summary, the available evidence is currently insufficient to determine the role of this variant in disease. Therefore, it has been classified as a Variant of Uncertain Significance.